The following is an entry in ClinVar:

NM_002292.4(LAMB2):c.1118T>C (p.Val373Ala)

Gene: LAMB2 (laminin subunit beta 2; minus strand). Cytogenetic location: 3p21.31.
Variant type: single nucleotide variant.
Coding change: c.1118T>C on transcript NM_002292.4 (MANE Select); coding-DNA position 1118, T replaced by C.
Protein change: p.Val373Ala; replaces valine 373 with alanine.
Molecular consequence: missense variant.
Genome position (GRCh38, 1-based): chr3:49,130,338, A>G on the plus strand (T>C on the coding strand, the complement: LAMB2 is on the minus strand). VCF-style: chr3-49130338-A-G. GRCh37 (hg19) VCF-style: chr3-49167771-A-G.
Other names: p.Val373Ala; short protein forms V373A.
Identifiers: ClinVar variation 4540876 (VCV004540876.1).
Genomic context (GRCh38, chr3:49,130,338, plus strand): 5'-AAGAAGGGCCGACAGAGCTCACAGTGGCGCCCAGCTGTGTTATGCTGACATCCATCACAC[A>G]CACCTCCACTCACATTGCCAGATGCCAGGTATACGGCCATGTCGAAGTGGCAGCTGTGGG-3'
Protein context (NP_002283.3, residues 363-383): YLASGNVSGG[Val373Ala]CDGCQHNTAG

ClinVar aggregate classification (germline): Uncertain significance (1 of 4 stars; one submission).

gnomAD v4.1: 4 of 1,614,002 alleles (0.00025%); highest among the groups gnomAD compares: African/African-American, 0.0053%; no homozygotes.

Submission:

Mayo Clinic Laboratories, Mayo Clinic
Classification: Uncertain significance. Last evaluated: 2025-04-10. Review status: criteria provided, single submitter. Criteria: ACMG Guidelines, 2015. Collection method: clinical testing. Allele origin: germline. Observed: 1 variant allele.
Comment: PM2_supporting